The following is an entry in ClinVar:

NM_017752.3(TBC1D8B):c.-6T>A

Gene: TBC1D8B (TBC1 domain family member 8B; plus strand). Cytogenetic location: Xq22.3.
Variant type: single nucleotide variant.
Coding change: c.-6T>A on transcript NM_017752.3 (MANE Select); 6 bases upstream of the start codon, T replaced by A.
Molecular consequence: 5 prime UTR variant. On other transcripts: intron variant (1).
Genome position (GRCh38, 1-based): chrX:106,802,848, T>A. VCF-style: chrX-106802848-T-A. GRCh37 (hg19) VCF-style: chrX-106046078-T-A.
Other names: c.-6T>A (NM_001441214.1, NM_198881.2); c.-165+43T>A (NM_001441215.1).
Identifiers: ClinVar variation 4982170 (VCV004982170.1).

ClinVar aggregate classification (germline): Likely benign (1 of 4 stars; one submission).

Conditions:
TBC1D8B-related disorder. Also called: TBC1D8B-related condition.

gnomAD v4.1: 39 of 1,208,191 alleles (0.0032%); highest among the groups gnomAD compares: African/African-American, 0.051%; no homozygotes.

Submission:

PreventionGenetics, part of Exact Sciences
Classification: Likely benign for TBC1D8B-related condition. Last evaluated: 2025-04-02. Review status: criteria provided, single submitter. Criteria: ACMG Guidelines, 2015. Collection method: clinical testing. Allele origin: germline.
Comment: This variant is classified as likely benign based on ACMG/AMP sequence variant interpretation guidelines (Richards et al. 2015 PMID: 25741868, with internal and published modifications).